The following is an entry in ClinVar:

NM_001142800.2(EYS):c.5601T>C (p.Ser1867=)

Gene: EYS (EGF-like photoreceptor maintenance factor; minus strand). Cytogenetic location: 6q12.
Variant type: single nucleotide variant.
Coding change: c.5601T>C on transcript NM_001142800.2 (MANE Select); coding-DNA position 5601, T replaced by C.
Protein change: p.Ser1867=; no amino-acid change (serine 1867 retained).
Molecular consequence: synonymous variant.
Genome position (GRCh38, 1-based): chr6:64,590,266, A>G on the plus strand (T>C on the coding strand, the complement: EYS is on the minus strand). VCF-style: chr6-64590266-A-G. GRCh37 (hg19) VCF-style: chr6-65300159-A-G.
Other names: c.5601T>C, p.Ser1867= (NM_001292009.2).
Identifiers: ClinVar variation 93617 (VCV000093617.49), dbSNP rs182322608, ClinGen allele CA147159.

ClinVar aggregate classification (germline): Conflicting classifications of pathogenicity. Review status: criteria provided, conflicting classifications (1 of 4 stars). 8 submissions from 8 submitters: Uncertain significance (1); Benign (3); Likely benign (2). 2 of the submissions do not count toward it. Last evaluated 2026-02-01.

Conditions:
Retinitis pigmentosa (RP). Identifiers: Orphanet 791, MedGen C0035334, MeSH D012174, MONDO:0019200, OMIM 268000. Inheritance: Autosomal dominant, autosomal recessive and X linked inheritance.
Retinitis pigmentosa 25 (RP25). Identifiers: Orphanet 791, MedGen C1864446, MONDO:0011272, OMIM 602772.

Allele frequency attached by ClinVar (database versions not stated): 1000 Genomes Project 0.00160; 1000 Genomes Project 30x 0.00172; gnomAD 0.00459 and 0.00464; TOPMed 0.00464; ESP Exome Variant Server 0.00679.
gnomAD v4.1: 11,020 of 1,550,566 alleles (0.71%); highest among the groups gnomAD compares: Non-Finnish European, 0.88%; 59 homozygotes.

Submissions (8):

Labcorp Genetics (formerly Invitae), Labcorp
Classification: Benign. Last evaluated: 2026-02-01. Review status: criteria provided, single submitter. Criteria: Invitae Variant Classification Sherloc (09022015). Collection method: clinical testing. Allele origin: germline.

Blueprint Genetics
Classification: Likely benign. Last evaluated: 2024-11-25. Review status: criteria provided, single submitter. Criteria: ACMG Guidelines, 2015. Collection method: clinical testing. Allele origin: germline.

CeGaT Center for Human Genetics Tuebingen
Classification: Likely benign. Last evaluated: 2024-03-01. Review status: criteria provided, single submitter. Criteria: CeGaT Center For Human Genetics Tuebingen Variant Classification Criteria Version 2. Collection method: clinical testing. Allele origin: germline. Affected: yes. Observed: 2 variant alleles.
Comment: EYS: BP4, BP7, BS2

Illumina Laboratory Services, Illumina
Classification: Uncertain significance for Retinitis pigmentosa. Last evaluated: 2018-01-12. Review status: criteria provided, single submitter. Criteria: ICSL Variant Classification Criteria 13 December 2019. Collection method: clinical testing. Allele origin: germline.

GeneDx
Classification: Benign. Last evaluated: 2015-03-03. Review status: criteria provided, single submitter. Criteria: GeneDx Variant Classification Process June 2021. Collection method: clinical testing. Allele origin: germline. Affected: yes.

Eurofins Ntd Llc (ga)
Classification: Benign. Last evaluated: 2013-09-25. Review status: criteria provided, single submitter. Criteria: EGL Classification Definitions 2015. Collection method: clinical testing. Allele origin: germline. Observed: 1 variant allele, 1 heterozygote.

Natera, Inc.
Classification: Uncertain significance for Retinitis pigmentosa type 25. Last evaluated: 2020-01-17. Review status: no assertion criteria provided. Collection method: clinical testing. Allele origin: germline. Not counted in ClinVar's aggregate classification.

Counsyl
Classification: Likely benign for Retinitis pigmentosa 25. Last evaluated: 2017-03-06. Review status: no assertion criteria provided. Collection method: clinical testing. Allele origin: unknown. Not counted in ClinVar's aggregate classification.